The following is an entry in ClinVar:

ClinVar aggregate classification (germline): Pathogenic (1 of 4 stars; one submission).

Submission:

Labcorp Genetics (formerly Invitae), Labcorp
Classification: Pathogenic. Last evaluated: 2023-10-06. Review status: criteria provided, single submitter. Criteria: Invitae Variant Classification Sherloc (09022015). Collection method: clinical testing. Allele origin: germline.
Comment: This sequence change creates a premature translational stop signal (p.Thr3646Serfs*29) in the USH2A gene. It is expected to result in an absent or disrupted protein product. Loss-of-function variants in USH2A are known to be pathogenic (PMID: 10729113, 10909849, 20507924, 25649381). This variant is not present in population databases (gnomAD no frequency). This variant has not been reported in the literature in individuals affected with USH2A-related conditions. For these reasons, this variant has been classified as Pathogenic.

Literature cited by the submitters: PubMed 10729113; PubMed 10909849; PubMed 20507924; PubMed 25649381.

NM_206933.4(USH2A):c.10934_10935dup (p.Thr3646fs)

Gene: USH2A (usherin; minus strand). Cytogenetic location: 1q41.
Variant type: Duplication.
Coding change: c.10934_10935dup on transcript NM_206933.4 (MANE Select); coding-DNA positions 10934 to 10935, 2 bases duplicated (TC; older notation c.10934_10935dupTC).
Protein change: p.Thr3646fs; shifts the reading frame from threonine 3646.
Molecular consequence: frameshift variant.
Genome position (GRCh38, 1-based): chr1:215,779,847-215,779,848, GA duplicated on the plus strand (TC on the coding strand, the reverse complement: USH2A is on the minus strand). VCF-style (leftmost placement, unchanged base first): chr1-215779846-T-TGA. GRCh37 (hg19) VCF-style: chr1-215953188-T-TGA.
Other names: short protein forms T3646fs.
Identifiers: ClinVar variation 2766400 (VCV002766400.3), dbSNP rs2464383008, ClinGen allele CA2697554877.